The following is an entry in ClinVar:

NM_020987.5(ANK3):c.8807A>G (p.Lys2936Arg)

Gene: ANK3 (ankyrin 3; minus strand). Cytogenetic location: 10q21.2.
Variant type: single nucleotide variant.
Coding change: c.8807A>G on transcript NM_020987.5 (MANE Select); coding-DNA position 8807, A replaced by G.
Protein change: p.Lys2936Arg; replaces lysine 2936 with arginine.
Molecular consequence: missense variant. On other transcripts: intron variant (4).
Genome position (GRCh38, 1-based): chr10:60,072,074, T>C on the plus strand (A>G on the coding strand, the complement: ANK3 is on the minus strand). VCF-style: chr10-60072074-T-C. GRCh37 (hg19) VCF-style: chr10-61831832-T-C.
Other names: c.4388-4065A>G (NM_001204403.2); c.4409-4065A>G (NM_001204404.2); c.4406-4065A>G (NM_001320874.2); c.1808-4065A>G (NM_001149.4); short protein forms K2936R.
Identifiers: ClinVar variation 1716345 (VCV001716345.5), dbSNP rs1420817118, ClinGen allele CA377004853.
Genomic context (GRCh38, chr10:60,072,074, plus strand): 5'-GCTGAGCTCTCGCTCCTCCTGGAAGGCTGATCAAGCAATCCGCCTGGATGGTCCCCTTCT[T>C]TCACAACATATTCCCTATATAAGACTTTTTTGGAGGGAGATTTTACAGTCATTTCTTTAA-3'
Protein context (NP_066267.2, residues 2926-2946): KKVLYREYVV[Lys2936Arg]EGDHPGGLLD

ClinVar aggregate classification (germline): Uncertain significance (1 of 4 stars; one submission).

Allele frequency attached by ClinVar (database versions not stated): gnomAD exomes below 0.00001.
gnomAD v4.1: 2 of 1,614,090 alleles (0.00012%); highest among the groups gnomAD compares: Admixed American, 0.0033%; no homozygotes.

Submission:

Labcorp Genetics (formerly Invitae), Labcorp
Classification: Uncertain significance. Last evaluated: 2022-08-21. Review status: criteria provided, single submitter. Criteria: Invitae Variant Classification Sherloc (09022015). Collection method: clinical testing. Allele origin: germline.
Comment: This sequence change replaces lysine, which is basic and polar, with arginine, which is basic and polar, at codon 2936 of the ANK3 protein (p.Lys2936Arg). This variant is present in population databases (no rsID available, gnomAD 0.003%). This variant has not been reported in the literature in individuals affected with ANK3-related conditions. Algorithms developed to predict the effect of missense changes on protein structure and function are either unavailable or do not agree on the potential impact of this missense change (SIFT: "Not Available"; PolyPhen-2: "Benign"; Align-GVGD: "Not Available"). In summary, the available evidence is currently insufficient to determine the role of this variant in disease. Therefore, it has been classified as a Variant of Uncertain Significance.